The following is an entry in ClinVar:

NM_001371417.1(IL17REL):c.1444A>C (p.Arg482=)

Gene: IL17REL (interleukin 17 receptor E like; minus strand). Cytogenetic location: 22q13.33.
Variant type: single nucleotide variant.
Coding change: c.1444A>C on transcript NM_001371417.1 (MANE Select); coding-DNA position 1444, A replaced by C.
Protein change: p.Arg482=; no amino-acid change (arginine 482 retained).
Molecular consequence: synonymous variant. On other transcripts: 3 prime UTR variant (2).
Genome position (GRCh38, 1-based): chr22:49,996,755, T>G on the plus strand (A>C on the coding strand, the complement: IL17REL is on the minus strand). VCF-style: chr22-49996755-T-G. GRCh37 (hg19) VCF-style: chr22-50435184-T-G.
Other names: c.*150A>C (NM_001001694.3, NM_001371416.1).
Identifiers: ClinVar variation 2653356 (VCV002653356.24), dbSNP rs2518296113, ClinGen allele CA2657463133.

ClinVar aggregate classification (germline): Likely benign (1 of 4 stars; one submission).

Submission:

CeGaT Center for Human Genetics Tuebingen
Classification: Likely benign. Last evaluated: 2023-10-01. Review status: criteria provided, single submitter. Criteria: CeGaT Center For Human Genetics Tuebingen Variant Classification Criteria Version 2. Collection method: clinical testing. Allele origin: germline. Affected: yes. Observed: 1 variant allele.
Comment: IL17REL: PM2:Supporting, BP4, BP7